The following is an entry in ClinVar:

ClinVar aggregate classification (germline): Pathogenic/Likely pathogenic. Review status: criteria provided, multiple submitters, no conflicts (2 of 4 stars). 5 submissions from 5 submitters: Pathogenic (3); Likely pathogenic (2). Last evaluated 2026-01-21.

Conditions:
Hyperkalemic periodic paralysis. Also called: Familial hyperkalemic periodic paralysis; Gamstorp disease. Identifiers: Orphanet 682, MedGen C0238357, MONDO:0008224, OMIM 170500, HP:0007215.
Skeletal muscle channelopathy.
SCN4A-related disorder. Also called: SCN4A-related disorders.

Submissions (5):

3billion
Classification: Pathogenic for SCN4A-related disorder. Last evaluated: 2026-01-21. Review status: criteria provided, single submitter. Criteria: ACMG Guidelines, 2015. Collection method: clinical testing. Allele origin: germline. Affected: yes.
Comment: The variant is not observed in the gnomAD v4.1.0 dataset. Predicted Consequence/Location: Missense variant In silico tool predictions suggest damaging effect of the variant on gene or gene product [REVEL: 0.85 (>=0.6, sensitivity 0.68 and specificity 0.92); 3Cnet: 0.99 (> 0.75, sensitivity 0.96 and precision 0.92)]. The same nucleotide change resulting in the same amino acid change has been previously reported as pathogenic/likely pathogenic with strong evidence (ClinVar ID: VCV000383923 /PMID: 31609695). The variant has been previously reported as de novo in a similarly affected individual (PMID: 31609695). Therefore, this variant is classified as Pathogenic according to the recommendation of ACMG/AMP guideline.

Genetics Laboratory, Great Ormond Street Hospital NHS Foundation Trust, North Thames Genomic Laboratory Hub
Classification: Pathogenic for Skeletal muscle channelopathy. Last evaluated: 2026-01-21. Review status: criteria provided, single submitter. Criteria: ACGS Best Practice Guidelines for Variant Classification in Rare Disease 2024 v1.2. Collection method: clinical testing. Allele origin: germline. Affected: yes.
Comment: PS4_moderate, PM2_moderate, PP3_supporting, PS3_moderate, PM6_strong

Labcorp Genetics (formerly Invitae), Labcorp
Classification: Pathogenic for Hyperkalemic periodic paralysis. Last evaluated: 2025-09-01. Review status: criteria provided, single submitter. Criteria: Invitae Variant Classification Sherloc (09022015). Collection method: clinical testing. Allele origin: germline.
Comment: This sequence change replaces leucine, which is neutral and non-polar, with valine, which is neutral and non-polar, at codon 796 of the SCN4A protein (p.Leu796Val). This variant is not present in population databases (gnomAD no frequency). This missense change has been observed in individual(s) with SCN4A-related conditions (PMID: 31609695, 31732390, 32117035). In at least one individual the variant was observed to be de novo. ClinVar contains an entry for this variant (Variation ID: 383923). Invitae Evidence Modeling of protein sequence and biophysical properties (such as structural, functional, and spatial information, amino acid conservation, physicochemical variation, residue mobility, and thermodynamic stability) indicates that this missense variant is expected to disrupt SCN4A protein function with a positive predictive value of 95%. Experimental studies have shown that this missense change affects SCN4A function (PMID: 32117035). For these reasons, this variant has been classified as Pathogenic.

Athena Diagnostics
Classification: Likely pathogenic. Last evaluated: 2018-06-21. Review status: criteria provided, single submitter. Criteria: Athena Diagnostics Criteria. Collection method: clinical testing. Allele origin: germline.

GeneDx
Classification: Likely pathogenic. Last evaluated: 2016-02-08. Review status: criteria provided, single submitter. Criteria: GeneDx Variant Classification (06012015). Collection method: clinical testing. Allele origin: germline. Affected: yes.
Comment: The L796V variant has been reported previously as a de novo variant in an individual with paramyotonia congenita; however, additional clinical information was not provided and functional characterization of the variant was not completed (Kim, J.B. 2010). It was not observed in approximately 6,200 individuals of European and African American ancestry in the NHLBI Exome Sequencing Project, indicating it is not a common benign variant in these populations. The L796V variant is a conservative amino acid substitution, which is not likely to impact secondary protein structure as these residues share similar properties. However, this substitution alters a highly conserved position predicted to be in the transmembrane segment S6 of the second homologous domain of the SCN4A protein. Additionally, in silico analysis predicts this variant is probably damaging to the protein structure/function. Furthermore, a missense variant in a nearby residue (A799S) has been reported in the Human Gene Mutation Database in association with an SCN4A-related disorder (Stenson et al., 2014). Therefore, this variant is likely pathogenic; however, the possibility that it is benign cannot be excluded. GeneDx interprets L796V as a likely pathogenic variant.

Literature cited by the submitters: PubMed 31609695 (cited by 3billion and Labcorp Genetics (formerly Invitae), Labcorp); PubMed 31732390 (cited by Labcorp Genetics (formerly Invitae), Labcorp); PubMed 32117035 (cited by Labcorp Genetics (formerly Invitae), Labcorp); PubMed 20495927 (cited by Athena Diagnostics).

NM_000334.4(SCN4A):c.2386C>G (p.Leu796Val)

Genes: GH-LCR (growth hormone locus control region; plus strand), SCN4A (sodium voltage-gated channel alpha subunit 4; minus strand). Cytogenetic location: 17q23.3.
Variant type: single nucleotide variant.
Coding change: c.2386C>G on transcript NM_000334.4 (MANE Select); coding-DNA position 2386, C replaced by G.
Protein change: p.Leu796Val; replaces leucine 796 with valine.
Molecular consequence: missense variant.
Genome position (GRCh38, 1-based): chr17:63,951,891, G>C on the plus strand (C>G on the coding strand, the complement: SCN4A is on the minus strand). VCF-style: chr17-63951891-G-C. GRCh37 (hg19) VCF-style: chr17-62029251-G-C.
Other names: short protein forms L796V.
Identifiers: ClinVar variation 383923 (VCV000383923.14), dbSNP rs750053946, ClinGen allele CA16607432.